The following is an entry in ClinVar:

NM_003070.5(SMARCA2):c.2257C>T (p.Leu753Phe)

Gene: SMARCA2 (SWI/SNF related BAF chromatin remodeling complex subunit ATPase 2; plus strand). Cytogenetic location: 9p24.3.
Variant type: single nucleotide variant.
Coding change: c.2257C>T on transcript NM_003070.5 (MANE Select); coding-DNA position 2257, C replaced by T.
Protein change: p.Leu753Phe; replaces leucine 753 with phenylalanine.
Molecular consequence: missense variant.
Genome position (GRCh38, 1-based): chr9:2,081,904, C>T. VCF-style: chr9-2081904-C-T. GRCh37 (hg19) VCF-style: chr9-2081904-C-T.
Other names: c.2257C>T, p.Leu753Phe (NM_001289396.2, NM_001289397.2, NM_139045.4); short protein forms L753F.
Identifiers: ClinVar variation 4755769 (VCV004755769.1).

ClinVar aggregate classification (germline): Pathogenic (1 of 4 stars; one submission).

Submission:

GeneDx
Classification: Pathogenic. Last evaluated: 2025-08-06. Review status: criteria provided, single submitter. Criteria: GeneDx Variant Classification Process June 2021. Collection method: clinical testing. Allele origin: germline. Affected: yes.
Comment: Not observed at significant frequency in large population cohorts (gnomAD); In silico analysis supports that this missense variant has a deleterious effect on protein structure/function; Has not been previously published as pathogenic or benign to our knowledge